The following is an entry in ClinVar:

NM_022773.4(LMF1):c.1141_1146dup (p.Val382_Val383insProVal)

Gene: LMF1 (lipase maturation factor 1; minus strand). Cytogenetic location: 16p13.3.
Variant type: Duplication.
Coding change: c.1141_1146dup on transcript NM_022773.4 (MANE Select); coding-DNA positions 1141 to 1146, 6 bases duplicated (CCCGTG; older notation c.1141_1146dupCCCGTG).
Protein change: p.Val382_Val383insProVal.
Molecular consequence: non-coding transcript variant (on NR_147885.2).
Genome position (GRCh38, 1-based): chr16:870,815-870,820, CACGGG duplicated on the plus strand (CCCGTG on the coding strand, the reverse complement: LMF1 is on the minus strand); duplicating any 6 consecutive bases within chr16:870,815-870,824 gives the same sequence; the c. name uses the placement nearest the transcript's 3' end. VCF-style (leftmost placement, unchanged base first): chr16-870814-C-CCACGGG. GRCh37 (hg19) VCF-style: chr16-920814-C-CCACGGG.
Other names: c.1141_1146dupCCCGTG (NM_022773.2); c.490_495dup, p.Val165_Val166insProVal (NM_001352017.2, NM_001352021.2); c.742_747dup, p.Val249_Val250insProVal (NM_001352018.2); c.814_819dup, p.Val273_Val274insProVal (NM_001352019.2); c.1141_1146dup, p.Val382_Val383insProVal (NM_001352020.1).
Identifiers: ClinVar variation 3895432 (VCV003895432.3), dbSNP rs759867417.

ClinVar aggregate classification (germline): Uncertain significance. Review status: criteria provided, multiple submitters, no conflicts (2 of 4 stars). 3 submissions from 3 submitters: Uncertain significance (3). Last evaluated 2025-04-22.

Conditions:
Cardiovascular phenotype. Identifiers: MedGen CN230736.

Submissions (3):

Ambry Genetics
Classification: Uncertain significance for Cardiovascular phenotype. Last evaluated: 2025-04-22. Review status: criteria provided, single submitter. Criteria: Ambry Variant Classification Scheme 2023. Collection method: clinical testing. Allele origin: germline.
Comment: The c.1141_1146dupCCCGTG variant (also known as p.P381_V382dup), located in coding exon 8 of the LMF1 gene, results from an in-frame duplication of CCCGTG at nucleotide positions 1141 to 1146. This results in the duplication of 2 extra residues (PV) between codons 381 and 382. This variant (referred to as c.1146_1147insCCCGTG, rs759867417) has been detected in a hypertriglyceridemia cohort; however, details were limited (Deshotels MR et al. Arterioscler Thromb Vasc Biol, 2022 Dec;42:1461-1467). These amino acid positions are highly conserved in available vertebrate species. In addition, this alteration is predicted to be deleterious by in silico analysis (Choi Y et al. PLoS ONE. 2012; 7(10):e46688). Since supporting evidence is limited at this time, the clinical significance of this alteration remains unclear.

Molecular Diagnostic Laboratory for Inherited Cardiovascular Disease, Montreal Heart Institute
Classification: Uncertain significance for Cardiovascular phenotype. Last evaluated: 2025-04-09. Review status: criteria provided, single submitter. Criteria: ACMG Guidelines, 2015. Collection method: clinical testing. Allele origin: germline. Affected: yes.
Comment: PM4_supp

Blueprint Genetics
Classification: Uncertain significance. Last evaluated: 2024-03-06. Review status: criteria provided, single submitter. Criteria: ACMG Guidelines, 2015. Collection method: clinical testing. Allele origin: germline.

Literature cited by the submitters: PubMed 36325899 (cited by Ambry Genetics).